The following is an entry in ClinVar:

ClinVar aggregate classification (germline): Uncertain significance (1 of 4 stars; one submission).

Conditions:
Hereditary cancer-predisposing syndrome. Also called: Neoplastic Syndromes, Hereditary; Tumor predisposition; Hereditary Cancer Syndrome; Hereditary neoplastic syndrome. Identifiers: Orphanet 140162, MedGen C0027672, MeSH D009386, MONDO:0015356.

Submission:

Color Diagnostics, LLC DBA Color Health
Classification: Uncertain significance for Hereditary cancer-predisposing syndrome. Last evaluated: 2023-12-04. Review status: criteria provided, single submitter. Criteria: ACMG Guidelines, 2015. Collection method: clinical testing. Allele origin: germline.
Comment: This missense variant replaces arginine with glycine at codon 401 of the APC protein. Computational prediction is inconclusive regarding the impact of this variant on protein structure and function (internally defined REVEL score threshold 0.5 < inconclusive < 0.7, PMID: 27666373). To our knowledge, functional studies have not been reported for this variant. This variant has not been reported in individuals affected with APC-related disorders in the literature. This variant has not been identified in the general population by the Genome Aggregation Database (gnomAD). The available evidence is insufficient to determine the role of this variant in disease conclusively. Therefore, this variant is classified as a Variant of Uncertain Significance.

NM_000038.6(APC):c.1201A>G (p.Arg401Gly)

Gene: APC (APC regulator of Wnt signaling pathway; plus strand). Cytogenetic location: 5q22.2.
Variant type: single nucleotide variant.
Coding change: c.1201A>G on transcript NM_000038.6 (MANE Select); coding-DNA position 1201, A replaced by G.
Protein change: p.Arg401Gly; replaces arginine 401 with glycine.
Molecular consequence: missense variant. On other transcripts: intron variant (4).
Genome position (GRCh38, 1-based): chr5:112,819,233, A>G. VCF-style: chr5-112819233-A-G. GRCh37 (hg19) VCF-style: chr5-112154930-A-G.
Other names: c.1231A>G, p.Arg411Gly (NM_001354897.2); c.1126A>G, p.Arg376Gly (NM_001354898.2); c.1117A>G, p.Arg373Gly (NM_001354899.2); c.1024A>G, p.Arg342Gly (NM_001354900.2, NM_001354901.2); c.757-36A>G (NM_001354905.2); c.352A>G, p.Arg118Gly (NM_001354906.2); c.964-36A>G (NM_001354902.2); c.859-36A>G (NM_001354904.2); and 3 more; short protein forms R118G, R342G, R376G, R411G, R373G, R401G, R383G.
Identifiers: ClinVar variation 922226 (VCV000922226.4), dbSNP rs1580530476, ClinGen allele CA16023934.